The following is an entry in ClinVar:

ClinVar aggregate classification (germline): Uncertain significance (1 of 4 stars; one submission).

gnomAD v4.1: 1 of 1,613,422 alleles (0.000062%); highest among the groups gnomAD compares: Non-Finnish European, 0.000085%; no homozygotes.

Submission:

Labcorp Genetics (formerly Invitae), Labcorp
Classification: Uncertain significance. Last evaluated: 2021-06-30. Review status: criteria provided, single submitter. Criteria: Invitae Variant Classification Sherloc (09022015). Collection method: clinical testing. Allele origin: germline.
Comment: In summary, the available evidence is currently insufficient to determine the role of this variant in disease. Therefore, it has been classified as a Variant of Uncertain Significance. Algorithms developed to predict the effect of missense changes on protein structure and function are either unavailable or do not agree on the potential impact of this missense change (SIFT: "Tolerated"; PolyPhen-2: "Possibly Damaging"; Align-GVGD: "Class C0"). This sequence change replaces glycine with arginine at codon 1145 of the LAMC3 protein (p.Gly1145Arg). The glycine residue is weakly conserved and there is a moderate physicochemical difference between glycine and arginine. This variant is not present in population databases (ExAC no frequency). This variant has not been reported in the literature in individuals affected with LAMC3-related conditions.

NM_006059.4(LAMC3):c.3433G>C (p.Gly1145Arg)

Gene: LAMC3 (laminin subunit gamma 3; plus strand). Cytogenetic location: 9q34.12.
Variant type: single nucleotide variant.
Coding change: c.3433G>C on transcript NM_006059.4 (MANE Select); coding-DNA position 3433, G replaced by C.
Protein change: p.Gly1145Arg; replaces glycine 1145 with arginine.
Molecular consequence: missense variant.
Genome position (GRCh38, 1-based): chr9:131,073,260, G>C. VCF-style: chr9-131073260-G-C. GRCh37 (hg19) VCF-style: chr9-133948647-G-C.
Other names: short protein forms G1145R.
Identifiers: ClinVar variation 1472185 (VCV001472185.8), dbSNP rs2133327092, ClinGen allele CA375259696.
Genomic context (GRCh38, chr9:131,073,260, plus strand): 5'-TGGCGATGGGCCATCAGTTTCCTCCTCTTCCTCTTCTTTCTACAGGAGATTCCTCAGGAA[G>C]GTCCCAGTCAGCCGACCAAATGGAGCCACCTGGCCACAGAGGCCCGTGCCCTCGCCAGGA-3'
Protein context (NP_006050.3, residues 1135-1155): ILASLEIPQE[Gly1145Arg]PSQPTKWSHL